The following is an entry in ClinVar:

NM_139276.3(STAT3):c.*584T>G

Gene: STAT3 (signal transducer and activator of transcription 3; minus strand). Cytogenetic location: 17q21.2.
Variant type: single nucleotide variant.
Coding change: c.*584T>G on transcript NM_139276.3 (MANE Select); 584 bases downstream of the stop codon, T replaced by G.
Molecular consequence: 3 prime UTR variant.
Genome position (GRCh38, 1-based): chr17:42,315,161, A>C on the plus strand (T>G on the coding strand, the complement: STAT3 is on the minus strand). VCF-style: chr17-42315161-A-C. GRCh37 (hg19) VCF-style: chr17-40467179-A-C.
Other names: c.*584T>G (NM_001369512.1, NM_001369513.1, NM_001369514.1 and 10 more transcripts); c.*678T>G (NM_001369517.1, NM_001369518.1, NM_001369519.1 and 4 more transcripts).
Identifiers: ClinVar variation 323235 (VCV000323235.5), dbSNP rs11079042, ClinGen allele CA10650136.

ClinVar aggregate classification (germline): Benign (1 of 4 stars; one submission).

Conditions:
Hyper-IgE recurrent infection syndrome 1, autosomal dominant. Also called: HYPER-IgE SYNDROME 1, AUTOSOMAL DOMINANT, WITH RECURRENT INFECTIONS; JOB SYNDROME; Job's Syndrome; STAT3 Hyper IgE Syndrome; Hyper-IgE recurrent infection syndrome 1. Identifiers: Orphanet 2314, MedGen C2936739, MONDO:0007818, OMIM 147060.

Allele frequency attached by ClinVar (database versions not stated): gnomAD exomes 0.00473; gnomAD 0.02967 and 0.03176; TOPMed 0.03338; 1000 Genomes Project 0.03594; 1000 Genomes Project 30x 0.03919.
gnomAD v4.1: 4,816 of 218,396 alleles (2.2%); highest among the groups gnomAD compares: African/African-American, 10%; 240 homozygotes.

Submission:

Illumina Laboratory Services, Illumina
Classification: Benign for Hyper-IgE recurrent infection syndrome 1, autosomal dominant. Last evaluated: 2018-01-12. Review status: criteria provided, single submitter. Criteria: ICSL Variant Classification Criteria 13 December 2019. Collection method: clinical testing. Allele origin: germline.
Comment: This variant was observed in the ICSL laboratory as part of a predisposition screen in an ostensibly healthy population. It had not been previously curated by ICSL or reported in the Human Gene Mutation Database (HGMD: prior to June 1st, 2018), and was therefore a candidate for classification through an automated scoring system. Utilizing variant allele frequency, disease prevalence and penetrance estimates, and inheritance mode, an automated score was calculated to assess if this variant is too frequent to cause the disease. Based on the score and internal cut-off values, a variant classified as benign is not then subjected to further curation. The score for this variant resulted in a classification of benign for this disease.